The following is an entry in ClinVar:

ClinVar aggregate classification (germline): Conflicting classifications of pathogenicity. Review status: criteria provided, conflicting classifications (1 of 4 stars). 2 submissions from 2 submitters: Uncertain significance (1); Likely benign (1). Last evaluated 2025-09-09.

Conditions:
Hereditary cancer-predisposing syndrome. Also called: Hereditary Cancer Syndrome; Hereditary neoplastic syndrome; Neoplastic Syndromes, Hereditary; Tumor predisposition. Identifiers: Orphanet 140162, MedGen C0027672, MeSH D009386, MONDO:0015356.
Familial adenomatous polyposis 2. Also called: MUTYH-associated polyposis; MUTYH-related attenuated familial adenomatous polyposis; FAP type 2; Adenomas, multiple colorectal; MYH-associated polyposis; MUTYH Polyposis. Identifiers: Orphanet 220460, Orphanet 247798, MedGen C3272841, MONDO:0012041, OMIM 608456.

Submissions (2):

Ambry Genetics
Classification: Likely benign for Hereditary cancer-predisposing syndrome. Last evaluated: 2025-09-09. Review status: criteria provided, single submitter. Criteria: Ambry Variant Classification Scheme 2023. Collection method: clinical testing. Allele origin: germline.

Labcorp Genetics (formerly Invitae), Labcorp
Classification: Uncertain significance for Familial adenomatous polyposis 2. Last evaluated: 2022-06-21. Review status: criteria provided, single submitter. Criteria: Invitae Variant Classification Sherloc (09022015). Collection method: clinical testing. Allele origin: germline.
Comment: This sequence change replaces alanine, which is neutral and non-polar, with serine, which is neutral and polar, at codon 127 of the MUTYH protein (p.Ala127Ser). In summary, the available evidence is currently insufficient to determine the role of this variant in disease. Therefore, it has been classified as a Variant of Uncertain Significance. Algorithms developed to predict the effect of missense changes on protein structure and function are either unavailable or do not agree on the potential impact of this missense change (SIFT: "Tolerated"; PolyPhen-2: "Possibly Damaging"; Align-GVGD: "Class C0"). This variant has not been reported in the literature in individuals affected with MUTYH-related conditions. This variant is not present in population databases (gnomAD no frequency).

Literature cited by the submitters: PubMed 40738107 (cited by Ambry Genetics).

NM_001048174.2(MUTYH):c.295G>T (p.Ala99Ser)

Gene: MUTYH (mutY DNA glycosylase; minus strand). Cytogenetic location: 1p34.1.
Variant type: single nucleotide variant.
Coding change: c.295G>T on transcript NM_001048174.2 (MANE Select); coding-DNA position 295, G replaced by T.
Protein change: p.Ala99Ser; replaces alanine 99 with serine.
Molecular consequence: missense variant. On other transcripts: synonymous variant (3), non-coding transcript variant (7).
Genome position (GRCh38, 1-based): chr1:45,333,294, C>A on the plus strand (G>T on the coding strand, the complement: MUTYH is on the minus strand). VCF-style: chr1-45333294-C-A. GRCh37 (hg19) VCF-style: chr1-45798966-C-A.
Other names: c.295G>T, p.Ala99Ser (NM_001048171.2, NM_001048173.2, NM_001293195.2 and 6 more transcripts); c.298G>T, p.Ala100Ser (NM_001048172.2, NM_001407071.1, NM_001407078.1 and 2 more transcripts); c.379G>T, p.Ala127Ser (NM_001128425.2); c.340G>T, p.Ala114Ser (NM_001293190.2); c.328G>T, p.Ala110Ser (NM_001293191.2, NM_001407077.1); c.19G>T, p.Ala7Ser (NM_001293192.2, NM_001293196.2, NM_001407091.1); c.24G>T, p.Gly8= (NM_001350650.2, NM_001350651.2, NM_001407082.1); c.370G>T, p.Ala124Ser (NM_001407069.1, NM_012222.3); and 3 more; short protein forms A100S, A127S, A114S, A124S, A106S, A110S, A113S, A71S.
Identifiers: ClinVar variation 1735028 (VCV001735028.9), dbSNP rs746112825, ClinGen allele CA340136247.